The following is an entry in ClinVar:

NM_182961.4(SYNE1):c.24429A>T (p.Gln8143His)

Gene: SYNE1 (spectrin repeat containing nuclear envelope protein 1; minus strand). Cytogenetic location: 6q25.2.
Variant type: single nucleotide variant.
Coding change: c.24429A>T on transcript NM_182961.4 (MANE Select); coding-DNA position 24429, A replaced by T.
Protein change: p.Gln8143His; replaces glutamine 8143 with histidine.
Molecular consequence: missense variant.
Genome position (GRCh38, 1-based): chr6:152,151,574, T>A on the plus strand (A>T on the coding strand, the complement: SYNE1 is on the minus strand). VCF-style: chr6-152151574-T-A. GRCh37 (hg19) VCF-style: chr6-152472709-T-A.
Other names: c.1035A>T, p.Gln345His (NM_001347701.2); c.894A>T, p.Gln298His (NM_001347702.2); c.24216A>T, p.Gln8072His (NM_033071.5); c.24216A>T (NM_033071.3); short protein forms Q8072H, Q298H, Q345H, Q8143H.
Identifiers: ClinVar variation 1043801 (VCV001043801.8), dbSNP rs775617906, ClinGen allele CA366086547.

ClinVar aggregate classification (germline): Uncertain significance. Review status: criteria provided, multiple submitters, no conflicts (2 of 4 stars). 3 submissions from 3 submitters: Uncertain significance (3). Last evaluated 2025-05-13.

Conditions:
Emery-Dreifuss muscular dystrophy 4, autosomal dominant (EDMD4). Also called: EMERY-DREIFUSS MUSCULAR DYSTROPHY 4 WITH VARIABLE FEATURES. Identifiers: Orphanet 261, MedGen C2751807, MONDO:0013071, OMIM 612998.
Autosomal recessive ataxia, Beauce type. Also called: Spinocerebellar ataxia, autosomal recessive 8; ATAXIA, RECESSIVE, OF BEAUCE; SYNE1 Deficiency; SYNE1-Related Autosomal Recessive Cerebellar Ataxia. Identifiers: Orphanet 88644, MedGen C1853116, MONDO:0012549, OMIM 610743.
Inborn genetic diseases. Identifiers: MedGen C0950123, MeSH D030342.

Allele frequency attached by ClinVar (database versions not stated): gnomAD 0.00001; gnomAD exomes 0.00002; TOPMed 0.00002.
gnomAD v4.1: 29 of 1,614,010 alleles (0.0018%); highest among the groups gnomAD compares: Non-Finnish European, 0.0024%; no homozygotes.

Submissions (3):

Greenwood Genetic Center Diagnostic Laboratories, Greenwood Genetic Center
Classification: Uncertain significance. Last evaluated: 2025-05-13. Review status: criteria provided, single submitter. Criteria: ACMG Guidelines, 2015. Collection method: clinical testing. Allele origin: germline. Affected: yes.
Comment: BP4

Labcorp Genetics (formerly Invitae), Labcorp
Classification: Uncertain significance for Emery-Dreifuss muscular dystrophy 4, autosomal dominant; Autosomal recessive ataxia, Beauce type. Last evaluated: 2021-12-27. Review status: criteria provided, single submitter. Criteria: Invitae Variant Classification Sherloc (09022015). Collection method: clinical testing. Allele origin: germline.
Comment: ClinVar contains an entry for this variant (Variation ID: 1043801). Algorithms developed to predict the effect of missense changes on protein structure and function output the following: SIFT: "Deleterious"; PolyPhen-2: "Possibly Damaging"; Align-GVGD: "Class C0". The histidine amino acid residue is found in multiple mammalian species, which suggests that this missense change does not adversely affect protein function. In summary, the available evidence is currently insufficient to determine the role of this variant in disease. Therefore, it has been classified as a Variant of Uncertain Significance. This sequence change replaces glutamine, which is neutral and polar, with histidine, which is basic and polar, at codon 8072 of the SYNE1 protein (p.Gln8072His). This variant is not present in population databases (gnomAD no frequency). This variant has not been reported in the literature in individuals affected with SYNE1-related conditions.

Ambry Genetics
Classification: Uncertain significance for Inborn genetic diseases. Last evaluated: 2021-08-17. Review status: criteria provided, single submitter. Criteria: Ambry Variant Classification Scheme 2023. Collection method: clinical testing. Allele origin: germline.